The following is an entry in ClinVar:

ClinVar aggregate classification (germline): Uncertain significance (1 of 4 stars; one submission).

Allele frequency attached by ClinVar (database versions not stated): TOPMed below 0.00001; ExAC 0.00001; gnomAD 0.00001; gnomAD exomes 0.00002.

Submission:

Labcorp Genetics (formerly Invitae), Labcorp
Classification: Uncertain significance. Last evaluated: 2022-02-20. Review status: criteria provided, single submitter. Criteria: Invitae Variant Classification Sherloc (09022015). Collection method: clinical testing. Allele origin: germline.
Comment: In summary, the available evidence is currently insufficient to determine the role of this variant in disease. Therefore, it has been classified as a Variant of Uncertain Significance. Algorithms developed to predict the effect of missense changes on protein structure and function output the following: SIFT: "Deleterious"; PolyPhen-2: "Not Available"; Align-GVGD: "Class C0". The tyrosine amino acid residue is found in multiple mammalian species, which suggests that this missense change does not adversely affect protein function. This variant has not been reported in the literature in individuals affected with SLC39A7-related conditions. This variant is present in population databases (rs776933219, gnomAD 0.009%). This sequence change replaces histidine, which is basic and polar, with tyrosine, which is neutral and polar, at codon 77 of the SLC39A7 protein (p.His77Tyr).

NM_006979.3(SLC39A7):c.229C>T (p.His77Tyr)

Gene: SLC39A7 (solute carrier family 39 member 7; plus strand). Cytogenetic location: 6p21.32.
Variant type: single nucleotide variant.
Coding change: c.229C>T on transcript NM_006979.3 (MANE Select); coding-DNA position 229, C replaced by T.
Protein change: p.His77Tyr; replaces histidine 77 with tyrosine.
Molecular consequence: missense variant. On other transcripts: intron variant (1).
Genome position (GRCh38, 1-based): chr6:33,201,474, C>T. VCF-style: chr6-33201474-C-T. GRCh37 (hg19) VCF-style: chr6-33169251-C-T.
Other names: c.229C>T, p.His77Tyr (NM_001077516.2); c.52+86C>T (NM_001288777.2); short protein forms H77Y.
Identifiers: ClinVar variation 2038757 (VCV002038757.4), dbSNP rs776933219, ClinGen allele CA3752220.